The following is an entry in ClinVar:

ClinVar aggregate classification (germline): Uncertain significance (1 of 4 stars; one submission).

Allele frequency attached by ClinVar (database versions not stated): gnomAD 0.00002; TOPMed 0.00003; ExAC 0.00006.
gnomAD v4.1: 36 of 1,614,032 alleles (0.0022%); highest among the groups gnomAD compares: East Asian, 0.0089%; no homozygotes.

Submission:

Labcorp Genetics (formerly Invitae), Labcorp
Classification: Uncertain significance. Last evaluated: 2022-09-06. Review status: criteria provided, single submitter. Criteria: Invitae Variant Classification Sherloc (09022015). Collection method: clinical testing. Allele origin: germline.
Comment: This sequence change replaces glycine, which is neutral and non-polar, with serine, which is neutral and polar, at codon 63 of the CD40 protein (p.Gly63Ser). This variant is present in population databases (rs756898850, gnomAD 0.007%). This variant has not been reported in the literature in individuals affected with CD40-related conditions. Algorithms developed to predict the effect of missense changes on protein structure and function output the following: SIFT: "Tolerated"; PolyPhen-2: "Benign"; Align-GVGD: "Class C0". The serine amino acid residue is found in multiple mammalian species, which suggests that this missense change does not adversely affect protein function. In summary, the available evidence is currently insufficient to determine the role of this variant in disease. Therefore, it has been classified as a Variant of Uncertain Significance.

NM_001250.6(CD40):c.187G>A (p.Gly63Ser)

Gene: CD40 (CD40 molecule; plus strand). Cytogenetic location: 20q13.12.
Variant type: single nucleotide variant.
Coding change: c.187G>A on transcript NM_001250.6 (MANE Select); coding-DNA position 187, G replaced by A.
Protein change: p.Gly63Ser; replaces glycine 63 with serine.
Molecular consequence: missense variant. On other transcripts: non-coding transcript variant (2).
Genome position (GRCh38, 1-based): chr20:46,122,289, G>A. VCF-style: chr20-46122289-G-A. GRCh37 (hg19) VCF-style: chr20-44750928-G-A.
Other names: c.187G>A, p.Gly63Ser (NM_001302753.2, NM_001322421.2, NM_001322422.2 and 2 more transcripts); short protein forms G63S.
Identifiers: ClinVar variation 2193326 (VCV002193326.1), dbSNP rs756898850, ClinGen allele CA9888391.